The following is an entry in ClinVar:

ClinVar aggregate classification (germline): Pathogenic/Likely pathogenic. Review status: criteria provided, multiple submitters, no conflicts (2 of 4 stars). 4 submissions from 4 submitters: Pathogenic (2); Likely pathogenic (1). 1 of the submissions does not count toward it. Last evaluated 2026-04-20.

Conditions:
GRHL3-related disorder. Also called: GRHL3-related condition.
Van der Woude syndrome 2 (VWS2). Identifiers: Orphanet 888, MedGen C1847604, MONDO:0011712, OMIM 606713.

Allele frequency attached by ClinVar (database versions not stated): gnomAD exomes below 0.00001.

Submissions (4):

PreventionGenetics, part of Exact Sciences
Classification: Pathogenic for GRHL3-related condition. Last evaluated: 2026-04-20. Review status: criteria provided, single submitter. Criteria: ACMG Guidelines, 2015. Collection method: clinical testing. Allele origin: germline.
Comment: The GRHL3 c.1171C>T variant is predicted to result in the amino acid substitution p.Arg391Cys. This variant has been previously reported in the heterozygous state in an individual with Van der Woude syndrome (Peyrard-Janvid et al. 2014. PubMed ID: 24360809), and two families with non-syndromic cleft lip and/or palate (Family 4a and 4b in Basha et al. 2018. PubMed ID: 29500247). This variant was also observed de novo in one individual with spina bifida from a cohort of patients with severe human neural tube defects (Lemay et al. 2015. PubMed ID: 25805808). In vitro and in vivo functional studies have shown that the p.Arg391Cys variant has no ability to activate its target (Lemay et al. 2017. PubMed ID: 28276201; Peyrard-Janvid et al. 2014. PubMed ID: 24360809; Eshete et al. 2018. PubMed ID: 28886269). This variant is reported in 0.0046% of alleles in individuals of European (Finnish) descent in gnomAD. This variant is interpreted as pathogenic.

GeneDx
Classification: Pathogenic. Last evaluated: 2025-04-23. Review status: criteria provided, single submitter. Criteria: GeneDx Variant Classification Process June 2021. Collection method: clinical testing. Allele origin: germline. Affected: yes.
Comment: Reported as a de novo variant in at least one individual with a neural tube defect; this individual has other de novo variants (PMID: 25805808, 30415495); In silico analysis supports that this missense variant has a deleterious effect on protein structure/function; This variant is associated with the following publications: (PMID: 24360809, 29309642, 28276201, 28886269, 35189007, 30053123, 31316638, 30415495, 27018472, 25805808, 29500247, 33334172)

Fulgent Genetics
Classification: Likely pathogenic for Van der Woude syndrome 2. Last evaluated: 2021-11-28. Review status: criteria provided, single submitter. Criteria: ACMG Guidelines, 2015. Collection method: clinical testing. Allele origin: unknown.

OMIM
Classification: Pathogenic for VAN DER WOUDE SYNDROME 2. Last evaluated: 2014-01-02. Review status: no assertion criteria provided. Collection method: literature only. Allele origin: germline. Not counted in ClinVar's aggregate classification.

Literature cited by the submitters: PubMed 24360809 (cited by OMIM).

NM_198173.3(GRHL3):c.1171C>T (p.Arg391Cys)

Gene: GRHL3 (grainyhead like transcription factor 3; plus strand). Cytogenetic location: 1p36.11.
Variant type: single nucleotide variant.
Coding change: c.1171C>T on transcript NM_198173.3 (MANE Select); coding-DNA position 1171, C replaced by T.
Protein change: p.Arg391Cys; replaces arginine 391 with cysteine.
Molecular consequence: missense variant.
Genome position (GRCh38, 1-based): chr1:24,342,238, C>T. VCF-style: chr1-24342238-C-T. GRCh37 (hg19) VCF-style: chr1-24668728-C-T.
Other names: c.1033C>T, p.Arg345Cys (NM_001195010.2); c.1186C>T, p.Arg396Cys (NM_021180.4); c.1171C>T, p.Arg391Cys (NM_198174.3); c.1171C>T (NM_198173.2); short protein forms R391C, R396C, R345C.
Identifiers: ClinVar variation 101520 (VCV000101520.4), dbSNP rs879255245, ClinGen allele CA10575633.
Genomic context (GRCh38, chr1:24,342,238, plus strand): 5'-CCCCTGAACCTGCAGATTGACACCTATGACTGTGGCTTGGGCACTGAGCGCCTGGTACAC[C>T]GTGCTGTCTGCCAGATCAAGATCTTCTGTGACAAGGTGGCTGGACTGGGCAGACCCTATA-3'
Protein context (NP_937816.1, residues 381-401): CGLGTERLVH[Arg391Cys]AVCQIKIFCD